The following is an entry in ClinVar:

NM_198578.4(LRRK2):c.1033G>A (p.Asp345Asn)

Gene: LRRK2 (leucine rich repeat kinase 2; plus strand). Cytogenetic location: 12q12.
Variant type: single nucleotide variant.
Coding change: c.1033G>A on transcript NM_198578.4 (MANE Select); coding-DNA position 1033, G replaced by A.
Protein change: p.Asp345Asn; replaces aspartic acid 345 with asparagine.
Molecular consequence: missense variant.
Genome position (GRCh38, 1-based): chr12:40,251,306, G>A. VCF-style: chr12-40251306-G-A. GRCh37 (hg19) VCF-style: chr12-40645108-G-A.
Other names: short protein forms D345N.
Identifiers: ClinVar variation 1771912 (VCV001771912.2), dbSNP rs2136478124, ClinGen allele CA384407861.

ClinVar aggregate classification (germline): Uncertain significance (1 of 4 stars; one submission).

Conditions:
Inborn genetic diseases. Identifiers: MedGen C0950123, MeSH D030342.

Submission:

Ambry Genetics
Classification: Uncertain significance for Inborn genetic diseases. Last evaluated: 2022-06-08. Review status: criteria provided, single submitter. Criteria: Ambry Variant Classification Scheme 2023. Collection method: clinical testing. Allele origin: germline.
Comment: The p.D345N variant (also known as c.1033G>A), located in coding exon 9 of the LRRK2 gene, results from a G to A substitution at nucleotide position 1033. The aspartic acid at codon 345 is replaced by asparagine, an amino acid with highly similar properties. This amino acid position is conserved. In addition, this alteration is predicted to be tolerated by in silico analysis. Since supporting evidence is limited at this time, the clinical significance of this alteration remains unclear.